The following is an entry in ClinVar:

NM_001371928.1(AHDC1):c.90C>T (p.Gly30=)

Gene: AHDC1 (AT-hook DNA binding motif containing 1; minus strand). Cytogenetic location: 1p36.11.
Variant type: single nucleotide variant.
Coding change: c.90C>T on transcript NM_001371928.1 (MANE Select); coding-DNA position 90, C replaced by T.
Protein change: p.Gly30=; no amino-acid change (glycine 30 retained).
Molecular consequence: synonymous variant.
Genome position (GRCh38, 1-based): chr1:27,552,026, G>A on the plus strand (C>T on the coding strand, the complement: AHDC1 is on the minus strand). VCF-style: chr1-27552026-G-A. GRCh37 (hg19) VCF-style: chr1-27878537-G-A.
Other names: c.90C>T, p.Gly30= (NM_001029882.3).
Identifiers: ClinVar variation 2178106 (VCV002178106.12), dbSNP rs1369522874, ClinGen allele CA416980053.

ClinVar aggregate classification (germline): Likely benign. Review status: criteria provided, multiple submitters, no conflicts (2 of 4 stars). 3 submissions from 3 submitters: Likely benign (2). 1 of the submissions does not count toward it. Last evaluated 2025-10-01.

Conditions:
AHDC1-related disorder. Also called: AHDC1-related condition.

Allele frequency attached by ClinVar (database versions not stated): gnomAD exomes 0.00001; gnomAD 0.00004; TOPMed 0.00008.

Submissions (3):

CeGaT Center for Human Genetics Tuebingen
Classification: Likely benign. Last evaluated: 2025-10-01. Review status: criteria provided, single submitter. Criteria: CeGaT Center For Human Genetics Tuebingen Variant Classification Criteria Version 2. Collection method: clinical testing. Allele origin: germline. Affected: yes. Observed: 1 variant allele.
Comment: AHDC1: BP4, BP7

Labcorp Genetics (formerly Invitae), Labcorp
Classification: Likely benign. Last evaluated: 2025-06-09. Review status: criteria provided, single submitter. Criteria: Invitae Variant Classification Sherloc (09022015). Collection method: clinical testing. Allele origin: germline.

PreventionGenetics, part of Exact Sciences
Classification: Likely benign for AHDC1-related condition. Last evaluated: 2024-02-13. Review status: no assertion criteria provided. Collection method: clinical testing. Allele origin: germline. Not counted in ClinVar's aggregate classification.
Comment: This variant is classified as likely benign based on ACMG/AMP sequence variant interpretation guidelines (Richards et al. 2015 PMID: 25741868, with internal and published modifications).